The following is an entry in ClinVar:

NM_001038640.2(GOLGA6A):c.1932T>G (p.Leu644=)

Gene: GOLGA6A (golgin A6 family member A; minus strand). Cytogenetic location: 15q24.1.
Variant type: single nucleotide variant.
Coding change: c.1932T>G on transcript NM_001038640.2 (MANE Select); coding-DNA position 1932, T replaced by G.
Protein change: p.Leu644=; no amino-acid change (leucine 644 retained).
Molecular consequence: synonymous variant.
Genome position (GRCh38, 1-based): chr15:74,071,146, A>C on the plus strand (T>G on the coding strand, the complement: GOLGA6A is on the minus strand). VCF-style: chr15-74071146-A-C. GRCh37 (hg19) VCF-style: chr15-74363487-A-C.
Identifiers: ClinVar variation 2672593 (VCV002672593.23), dbSNP rs1343002893, ClinGen allele CA491483138.

ClinVar aggregate classification (germline): Likely benign (1 of 4 stars; one submission).

Submission:

CeGaT Center for Human Genetics Tuebingen
Classification: Likely benign. Last evaluated: 2023-11-01. Review status: criteria provided, single submitter. Criteria: CeGaT Center For Human Genetics Tuebingen Variant Classification Criteria Version 2. Collection method: clinical testing. Allele origin: germline. Affected: yes. Observed: 1 variant allele.
Comment: GOLGA6A: BP4, BP7